The following is an entry in ClinVar:

NM_012079.6(DGAT1):c.86A>G (p.Glu29Gly)

Gene: DGAT1 (diacylglycerol O-acyltransferase 1; minus strand). Cytogenetic location: 8q24.3.
Variant type: single nucleotide variant.
Coding change: c.86A>G on transcript NM_012079.6 (MANE Select); coding-DNA position 86, A replaced by G.
Protein change: p.Glu29Gly; replaces glutamic acid 29 with glycine.
Molecular consequence: missense variant.
Genome position (GRCh38, 1-based): chr8:144,326,551, T>C on the plus strand (A>G on the coding strand, the complement: DGAT1 is on the minus strand). VCF-style: chr8-144326551-T-C. GRCh37 (hg19) VCF-style: chr8-145550214-T-C.
Other names: short protein forms E29G.
Identifiers: ClinVar variation 3690630 (VCV003690630.2).

ClinVar aggregate classification (germline): Uncertain significance (1 of 4 stars; one submission).

Submission:

Labcorp Genetics (formerly Invitae), Labcorp
Classification: Uncertain significance. Last evaluated: 2024-03-28. Review status: criteria provided, single submitter. Criteria: Invitae Variant Classification Sherloc (09022015). Collection method: clinical testing. Allele origin: germline.
Comment: This sequence change replaces glutamic acid, which is acidic and polar, with glycine, which is neutral and non-polar, at codon 29 of the DGAT1 protein (p.Glu29Gly). This variant is not present in population databases (gnomAD no frequency). This variant has not been reported in the literature in individuals affected with DGAT1-related conditions. Experimental studies and prediction algorithms are not available or were not evaluated, and the functional significance of this variant is currently unknown. In summary, the available evidence is currently insufficient to determine the role of this variant in disease. Therefore, it has been classified as a Variant of Uncertain Significance.